The following is an entry in ClinVar:

NM_006767.4(LZTR1):c.23G>A (p.Gly8Glu)

Genes: LZTR1 (leucine zipper like post translational regulator 1; plus strand), LOC130067016 (ATAC-STARR-seq lymphoblastoid silent region 13504; plus strand). Cytogenetic location: 22q11.21.
Variant type: single nucleotide variant.
Coding change: c.23G>A on transcript NM_006767.4 (MANE Select); coding-DNA position 23, G replaced by A.
Protein change: p.Gly8Glu; replaces glycine 8 with glutamic acid.
Molecular consequence: missense variant.
Genome position (GRCh38, 1-based): chr22:20,982,394, G>A. VCF-style: chr22-20982394-G-A. GRCh37 (hg19) VCF-style: chr22-21336683-G-A.
Other names: short protein forms G8E.
Identifiers: ClinVar variation 1790713 (VCV001790713.7), dbSNP rs764439278, ClinGen allele CA410777453.
Genomic context (GRCh38, chr22:20,982,394, plus strand): 5'-TTGGGCTTACAGCGCGGCCGATCCGGCGTGGACCCGGGATGGCTGGACCGGGCAGCACGG[G>A]GGGGCAGATCGGGGCTGCGGCCCTGGCAGGCGGCGCGCGGTCCAAGGTAGCCCCGAGCGT-3'
Protein context (NP_006758.2, residues 1-18): MAGPGST[Gly8Glu]GQIGAAALAG

ClinVar aggregate classification (germline): Uncertain significance. Review status: criteria provided, multiple submitters, no conflicts (2 of 4 stars). 2 submissions from 2 submitters: Uncertain significance (2). Last evaluated 2022-08-03.

Conditions:
Hereditary cancer-predisposing syndrome. Also called: Hereditary Cancer Syndrome; Hereditary neoplastic syndrome; Tumor predisposition; Neoplastic Syndromes, Hereditary. Identifiers: Orphanet 140162, MedGen C0027672, MeSH D009386, MONDO:0015356.
Cardiovascular phenotype. Identifiers: MedGen CN230736.

Submissions (2):

Ambry Genetics
Classification: Uncertain significance for Cardiovascular phenotype; Hereditary cancer-predisposing syndrome. Last evaluated: 2022-08-03. Review status: criteria provided, single submitter. Criteria: Ambry Variant Classification Scheme 2023. Collection method: clinical testing. Allele origin: germline.
Comment: The p.G8E variant (also known as c.23G>A), located in coding exon 1 of the LZTR1 gene, results from a G to A substitution at nucleotide position 23. The glycine at codon 8 is replaced by glutamic acid, an amino acid with similar properties. This amino acid position is conserved. In addition, this alteration is predicted to be tolerated by in silico analysis. Since supporting evidence is limited at this time, the clinical significance of this alteration remains unclear.

Labcorp Genetics (formerly Invitae), Labcorp
Classification: Uncertain significance. Last evaluated: 2022-03-31. Review status: criteria provided, single submitter. Criteria: Invitae Variant Classification Sherloc (09022015). Collection method: clinical testing. Allele origin: germline.
Comment: In summary, the available evidence is currently insufficient to determine the role of this variant in disease. Therefore, it has been classified as a Variant of Uncertain Significance. Algorithms developed to predict the effect of missense changes on protein structure and function are either unavailable or do not agree on the potential impact of this missense change (SIFT: "Tolerated"; PolyPhen-2: "Probably Damaging"; Align-GVGD: "Class C0"). This variant has not been reported in the literature in individuals affected with LZTR1-related conditions. This variant is not present in population databases (gnomAD no frequency). This sequence change replaces glycine, which is neutral and non-polar, with glutamic acid, which is acidic and polar, at codon 8 of the LZTR1 protein (p.Gly8Glu).